The following is an entry in ClinVar:

NM_001267550.2(TTN):c.54037del (p.Ala18013fs)

Genes: TTN (titin; minus strand), TTN-AS1 (TTN antisense RNA 1; plus strand). Cytogenetic location: 2q31.2.
Variant type: Deletion.
Coding change: c.54037del on transcript NM_001267550.2 (MANE Select); coding-DNA position 54037, one base deleted (G; older notation c.54037delG).
Protein change: p.Ala18013fs; shifts the reading frame from alanine 18013.
Molecular consequence: frameshift variant. On other transcripts: non-coding transcript variant (1).
Genome position (GRCh38, 1-based): chr2:178,605,140, C deleted on the plus strand (G on the coding strand, the reverse complement: TTN is on the minus strand). VCF-style (leftmost placement, unchanged base first): chr2-178605139-GC-G. GRCh37 (hg19) VCF-style: chr2-179469866-GC-G.
Other names: c.49114del, p.Ala16372fs (NM_001256850.1); c.26842del, p.Ala8948fs (NM_003319.4); c.46333del, p.Ala15445fs (NM_133378.4); c.27217del, p.Ala9073fs (NM_133432.3); c.27418del, p.Ala9140fs (NM_133437.4); short protein forms A8948fs, A18013fs, A9073fs, A15445fs, A16372fs, A9140fs.
Identifiers: ClinVar variation 1996693 (VCV001996693.5), dbSNP rs2470174791, ClinGen allele CA2580064916.

ClinVar aggregate classification (germline): Likely pathogenic. Review status: criteria provided, multiple submitters, no conflicts (2 of 4 stars). 2 submissions from 2 submitters: Likely pathogenic (2). Last evaluated 2024-03-01.

Conditions:
Dilated cardiomyopathy 1G (CMD1G). Identifiers: Orphanet 154, MedGen C1858763, MONDO:0011400, OMIM 604145.
Autosomal recessive limb-girdle muscular dystrophy type 2J (LGMDR10). Also called: Limb-girdle muscular dystrophy, type 2J; MUSCULAR DYSTROPHY, LIMB-GIRDLE, AUTOSOMAL RECESSIVE 10. Identifiers: Orphanet 140922, MedGen C1837342, MONDO:0012127, OMIM 608807.
Primary dilated cardiomyopathy (DCM). Also called: Dilated Cardiomyopathy. Identifiers: Orphanet 217604, MedGen C0007193, MeSH D002311, MONDO:0005021, HP:0001644. Inheritance: Various modes of inheritance.

Submissions (2):

Lildballe Lab, Aarhus University Hospital
Classification: Likely pathogenic for dilated cardiomyopathy. Last evaluated: 2024-03-01. Review status: criteria provided, single submitter. Criteria: ACMG Guidelines, 2015. Collection method: research. Allele origin: germline. Affected: yes.
Comment: PVS1(vs), PM2(sup)

Labcorp Genetics (formerly Invitae), Labcorp
Classification: Likely pathogenic for Dilated cardiomyopathy 1G; Autosomal recessive limb-girdle muscular dystrophy type 2J. Last evaluated: 2022-09-26. Review status: criteria provided, single submitter. Criteria: Invitae Variant Classification Sherloc (09022015). Collection method: clinical testing. Allele origin: germline.
Comment: This sequence change creates a premature translational stop signal (p.Ala18013Hisfs*4) in the TTN gene. While this is not anticipated to result in nonsense mediated decay, it is expected to create a truncated TTN protein. This variant is not present in population databases (gnomAD no frequency). This variant has not been reported in the literature in individuals affected with TTN-related conditions. This variant is located in the A band of TTN (PMID: 25589632). Truncating variants in this region are significantly overrepresented in patients affected with dilated cardiomyopathy (PMID: 25589632). Truncating variants in this region have also been reported in individuals affected with autosomal recessive centronuclear myopathy (PMID: 23975875). In summary, the currently available evidence indicates that the variant is pathogenic, but additional data are needed to prove that conclusively. Therefore, this variant has been classified as Likely Pathogenic.

Literature cited by the submitters: PubMed 25741924 (cited by Lildballe Lab, Aarhus University Hospital); PubMed 39481677 (cited by Lildballe Lab, Aarhus University Hospital); PubMed 25589632 (cited by Labcorp Genetics (formerly Invitae), Labcorp); PubMed 23975875 (cited by Labcorp Genetics (formerly Invitae), Labcorp).